The following is an entry in ClinVar:

NM_000444.6(PHEX):c.1174-2A>T

Gene: PHEX (phosphate regulating endopeptidase X-linked; plus strand). Cytogenetic location: Xp22.11.
Variant type: single nucleotide variant.
Coding change: c.1174-2A>T on transcript NM_000444.6 (MANE Select); the canonical splice acceptor site of the intron before coding-DNA position 1174, A replaced by T.
Molecular consequence: splice acceptor variant.
Genome position (GRCh38, 1-based): chrX:22,114,456, A>T. VCF-style: chrX-22114456-A-T. GRCh37 (hg19) VCF-style: chrX-22132574-A-T.
Other names: c.1174-2A>T (NM_001282754.2).
Identifiers: ClinVar variation 2065761 (VCV002065761.4), dbSNP rs1064796927, ClinGen allele CA412573291.
Genomic context (GRCh38, chrX:22,114,456, plus strand): 5'-ATTGTTTTCAGCCATGGGTTTTATCCAAATGAAGTTTAATCTGGATCAATTATCTCCCAC[A>T]GGTAATCCAGGGGACCACAACTTTGCTGCCTCAATGGGACAAATGTGTAAACTTTATTGA-3'

ClinVar aggregate classification (germline): Pathogenic (1 of 4 stars; one submission).

Submission:

Labcorp Genetics (formerly Invitae), Labcorp
Classification: Pathogenic. Last evaluated: 2021-12-29. Review status: criteria provided, single submitter. Criteria: Invitae Variant Classification Sherloc (09022015). Collection method: clinical testing. Allele origin: germline.
Comment: Disruption of this splice site has been observed in individuals with hypophosphatemia (PMID: 18162710, 27840894). For these reasons, this variant has been classified as Pathogenic. Algorithms developed to predict the effect of sequence changes on RNA splicing suggest that this variant may disrupt the consensus splice site. This variant is not present in population databases (gnomAD no frequency). This sequence change affects an acceptor splice site in intron 10 of the PHEX gene. It is expected to disrupt RNA splicing. Variants that disrupt the donor or acceptor splice site typically lead to a loss of protein function (PMID: 16199547), and loss-of-function variants in PHEX are known to be pathogenic (PMID: 9097956, 9106524, 19219621).

Literature cited by the submitters: PubMed 18162710; PubMed 27840894; PubMed 16199547; PubMed 9097956; PubMed 9106524; PubMed 19219621.